The following is an entry in ClinVar:

NM_005861.4(STUB1):c.3G>T (p.Met1Ile)

Gene: STUB1 (STIP1 homology and U-box containing protein 1; plus strand). Cytogenetic location: 16p13.3.
Variant type: single nucleotide variant.
Coding change: c.3G>T on transcript NM_005861.4 (MANE Select); coding-DNA position 3, G replaced by T.
Protein change: p.Met1Ile; changes the start codon (methionine 1).
Molecular consequence: missense variant, initiator codon variant. On other transcripts: 5 prime UTR variant (1).
Genome position (GRCh38, 1-based): chr16:680,528, G>T. VCF-style: chr16-680528-G-T. GRCh37 (hg19) VCF-style: chr16-730528-G-T.
Other names: c.-303G>T (NM_001293197.2); short protein forms M1I.
Identifiers: ClinVar variation 3377516 (VCV003377516.1).

ClinVar aggregate classification (germline): Likely pathogenic (1 of 4 stars; one submission).

Conditions:
Spinocerebellar ataxia 48. Identifiers: Orphanet 631103, MedGen C4748158, MONDO:0032526, OMIM 618093.

Submission:

Victorian Clinical Genetics Services, Murdoch Childrens Research Institute
Classification: Likely pathogenic for Spinocerebellar ataxia 48. Last evaluated: 2022-06-24. Review status: criteria provided, single submitter. Criteria: ACMG Guidelines, 2015. Collection method: clinical testing. Allele origin: germline. Inheritance: Autosomal dominant inheritance. Affected: yes.
Comment: Based on the classification scheme VCGS_Germline_v1.3.4, this variant is classified as likely pathogenic. Following criteria are met: 0103 - Dominant negative and loss of function are suggested mechanisms of disease in this gene and are associated with spinocerebellar ataxia 48 (SCA48; MIM#618093) and spinocerebellar ataxia 16 (MIM#615768), respectively (PMID: 34565360). (I) 0108 - This gene is associated with both recessive and dominant disease. Monoallelic variants have been reported to result in SCA48, whereas biallelic variants have been associated with SCA16 (PMID: 34565360). However, it remains unclear why p.(Arg241Trp) and p.(Cys232Gly) have been associated with both phenotypes (PMID: 33417001). (I) 0115 - Variants in this gene are known to have variable expressivity. There is interfamilial and intrafamilial variability of both severity and features (PMID: 33417001). (I) 0207 - Variant is predicted to result in a loss of the canonical translation initiation codon (ATG) but an alternative initiation codon is known to exist. This downstream start codon (p.Met73) is utilised as the start codon of NM_001293197.2 (UCSC). (I) 0251 - This variant is heterozygous. (I) 0301 - Variant is absent from gnomAD (both v2 and v3). (SP) 0704 - Another start-loss variant comparable to the one identified in this case has limited previous evidence for pathogenicity. This variant (c.3G>A) has been reported as de novo in an individual with symptoms including cerebellar ataxia and atrophy, myoclonus and mild spasticity (PMID: 33564152, PMID: 33811518). Another comparable variant (c.1A>G) has been reported as a VUS (LOVD). (SP) 0803 - This variant has limited previous evidence of pathogenicity in an unrelated individual. This variant has been reported in a heterozygous individual with cognitive decline and cerebellar ataxia, who was also heterozygous for a 44-glutamine repeat in the TBP gene (PMID: 34906452). (SP) 0905 - No published segregation evidence has been identified for this variant. (I) 1007 - No published functional evidence has been identified for this variant. (I) 1208 - Inheritance information for this variant is not currently available in this individual. (I) Legend: (SP) - Supporting pathogenic, (I) - Information, (SB) - Supporting benign

Literature cited by the submitters: PubMed 33417001; PubMed 33564152; PubMed 33811518; PubMed 34565360; PubMed 34906452.